The following is an entry in ClinVar:

ClinVar aggregate classification (germline): Likely pathogenic (1 of 4 stars; one submission).

Submission:

GeneDx
Classification: Likely pathogenic. Last evaluated: 2021-08-06. Review status: criteria provided, single submitter. Criteria: GeneDx Variant Classification Process June 2021. Collection method: clinical testing. Allele origin: germline. Affected: yes.
Comment: Frameshift variant predicted to result in protein truncation or nonsense mediated decay in a gene for which loss-of-function is a known mechanism of disease; Not observed in large population cohorts (Lek et al., 2016); Has not been previously published as pathogenic or benign to our knowledge

NM_020066.5(FMN2):c.1948dup (p.Ser650fs)

Gene: FMN2 (formin 2; plus strand). Cytogenetic location: 1q43.
Variant type: Duplication.
Coding change: c.1948dup on transcript NM_020066.5 (MANE Select); coding-DNA position 1948, one base duplicated (T; older notation c.1948dupT).
Protein change: p.Ser650fs; shifts the reading frame from serine 650.
Molecular consequence: frameshift variant.
Genome position (GRCh38, 1-based): chr1:240,188,224, T duplicated; the last of 3 consecutive T bases (chr1:240,188,222-240,188,224); duplicating any one gives the same sequence. VCF-style (leftmost placement, unchanged base first): chr1-240188221-G-GT. GRCh37 (hg19) VCF-style: chr1-240351521-G-GT.
Other names: c.1960dup, p.Ser654fs (NM_001305424.2); c.1948dup, p.Ser650fs (NM_001348094.2); short protein forms S650fs, S654fs.
Identifiers: ClinVar variation 1254882 (VCV001254882.2), dbSNP rs1340240686, ClinGen allele CA733543262.